The following is an entry in ClinVar:

NM_001042517.2(DIAPH3):c.1781C>G (p.Pro594Arg)

Gene: DIAPH3 (diaphanous related formin 3; minus strand). Cytogenetic location: 13q21.2.
Variant type: single nucleotide variant.
Coding change: c.1781C>G on transcript NM_001042517.2 (MANE Select); coding-DNA position 1781, C replaced by G.
Protein change: p.Pro594Arg; replaces proline 594 with arginine.
Molecular consequence: missense variant.
Genome position (GRCh38, 1-based): chr13:59,971,030, G>C on the plus strand (C>G on the coding strand, the complement: DIAPH3 is on the minus strand). VCF-style: chr13-59971030-G-C. GRCh37 (hg19) VCF-style: chr13-60545164-G-C.
Other names: c.1748C>G, p.Pro583Arg (NM_001258366.2); c.1643C>G, p.Pro548Arg (NM_001258367.2); c.1571C>G, p.Pro524Arg (NM_001258368.2); c.1781C>G, p.Pro594Arg (NM_001258369.2); c.992C>G, p.Pro331Arg (NM_001258370.2, NM_030932.4); short protein forms P594R, P524R, P583R, P331R, P548R.
Identifiers: ClinVar variation 4700380 (VCV004700380.1).
Genomic context (GRCh38, chr13:59,971,030, plus strand): 5'-GGTGGTGGAGGCACAGGACCACTGAATGGCATCCGCATTCCTGGAAGTGGAGGAGGTGGT[G>C]GGGGAGGAGGTGGAGGCGGCACCCCTCCACCAGAAGGCAGTGGAGGCGGAGGAGGAAGTG-3'
Protein context (NP_001035982.1, residues 584-604): GGGVPPPPPP[Pro594Arg]PPPPLPGMRM

ClinVar aggregate classification (germline): Uncertain significance (1 of 4 stars; one submission).

gnomAD v4.1: 13 of 1,613,450 alleles (0.00081%); highest among the groups gnomAD compares: East Asian, 0.018%; no homozygotes.

Submission:

Labcorp Genetics (formerly Invitae), Labcorp
Classification: Uncertain significance. Last evaluated: 2025-08-21. Review status: criteria provided, single submitter. Criteria: Invitae Variant Classification Sherloc (09022015). Collection method: clinical testing. Allele origin: germline.
Comment: This sequence change replaces proline, which is neutral and non-polar, with arginine, which is basic and polar, at codon 594 of the DIAPH3 protein (p.Pro594Arg). This variant is present in population databases (rs766301262, gnomAD 0.02%). This variant has not been reported in the literature in individuals affected with DIAPH3-related conditions. An algorithm developed to predict the effect of missense changes on protein structure and function (PolyPhen-2) suggests that this variant is likely to be disruptive. In summary, the available evidence is currently insufficient to determine the role of this variant in disease. Therefore, it has been classified as a Variant of Uncertain Significance.